The following is an entry in ClinVar:

ClinVar aggregate classification (germline): Likely benign. Review status: criteria provided, multiple submitters, no conflicts (2 of 4 stars). 2 submissions from 2 submitters: Likely benign (2). Last evaluated 2026-01-26.

Conditions:
Charcot-Marie-Tooth disease axonal type 2Z. Also called: CHARCOT-MARIE-TOOTH DISEASE, AXONAL, AUTOSOMAL DOMINANT, TYPE 2Z; CHARCOT-MARIE-TOOTH NEUROPATHY, TYPE 2Z. Identifiers: Orphanet 466768, MedGen C5569025, MONDO:0014736, OMIM 616688.

Allele frequency attached by ClinVar (database versions not stated): gnomAD 0.00001 and 0.00002; gnomAD exomes 0.00002 and 0.00007; TOPMed 0.00005; ExAC 0.00006.
gnomAD v4.1: 37 of 1,614,064 alleles (0.0023%); highest among the groups gnomAD compares: Admixed American, 0.033%; no homozygotes.

Submissions (2):

Labcorp Genetics (formerly Invitae), Labcorp
Classification: Likely benign for Charcot-Marie-Tooth disease axonal type 2Z. Last evaluated: 2026-01-26. Review status: criteria provided, single submitter. Criteria: Invitae Variant Classification Sherloc (09022015). Collection method: clinical testing. Allele origin: germline.

CeGaT Center for Human Genetics Tuebingen
Classification: Likely benign. Last evaluated: 2025-09-01. Review status: criteria provided, single submitter. Criteria: CeGaT Center For Human Genetics Tuebingen Variant Classification Criteria Version 2. Collection method: clinical testing. Allele origin: germline. Affected: yes. Observed: 1 variant allele.
Comment: MORC2: BP4, BP7

NM_001303256.3(MORC2):c.1344G>A (p.Ala448=)

Gene: MORC2 (MORC family CW-type zinc finger 2; minus strand). Cytogenetic location: 22q12.2.
Variant type: single nucleotide variant.
Coding change: c.1344G>A on transcript NM_001303256.3 (MANE Select); coding-DNA position 1344, G replaced by A.
Protein change: p.Ala448=; no amino-acid change (alanine 448 retained).
Molecular consequence: synonymous variant.
Genome position (GRCh38, 1-based): chr22:30,937,840, C>T on the plus strand (G>A on the coding strand, the complement: MORC2 is on the minus strand). VCF-style: chr22-30937840-C-T. GRCh37 (hg19) VCF-style: chr22-31333827-C-T.
Other names: c.1344G>A, p.Ala448= (NM_001303257.2); c.1158G>A, p.Ala386= (NM_014941.3).
Identifiers: ClinVar variation 717335 (VCV000717335.15), dbSNP rs781067804, ClinGen allele CA10186998.
Genomic context (GRCh38, chr22:30,937,840, plus strand): 5'-GAAAAGGCAGAGGCCCAGCAGCCCAGCCCCATTACCGATGGCAATATCCTTCCAATACTG[C>T]GCCAGGTGCTCCCCCATTGCTCGGAGCAGGTGCCGGTACTCCTTGGCATCAGCAAAGTCC-3'
Protein context (NP_001290185.1, residues 438-458): HLLRAMGEHL[Ala448=]QYWKDIAIAQ